The following is an entry in ClinVar:

ClinVar aggregate classification (germline): Benign (1 of 4 stars; one submission).

Allele frequency attached by ClinVar (database versions not stated): 1000 Genomes Project 30x 0.85228; 1000 Genomes Project 0.85483; TOPMed 0.85718; gnomAD 0.85865 and 0.85914.
gnomAD v4.1: 130,564 of 152,020 alleles (86%); highest among the groups gnomAD compares: East Asian, 89%; 56,071 homozygotes.

Submission:

GeneDx
Classification: Benign. Last evaluated: 2018-06-14. Review status: criteria provided, single submitter. Criteria: GeneDx Variant Classification (06012015). Collection method: clinical testing. Allele origin: germline. Affected: yes.
Comment: This variant is considered likely benign or benign based on one or more of the following criteria: it is a conservative change, it occurs at a poorly conserved position in the protein, it is predicted to be benign by multiple in silico algorithms, and/or has population frequency not consistent with disease.

NM_006073.4(TRDN):c.485-266T>C

Gene: TRDN (triadin; minus strand). Cytogenetic location: 6q22.31.
Variant type: single nucleotide variant.
Coding change: c.485-266T>C on transcript NM_006073.4 (MANE Select); 266 bases into the intron before coding-DNA position 485, T replaced by C.
Molecular consequence: intron variant.
Genome position (GRCh38, 1-based): chr6:123,516,472, A>G on the plus strand (T>C on the coding strand, the complement: TRDN is on the minus strand). VCF-style: chr6-123516472-A-G. GRCh37 (hg19) VCF-style: chr6-123837617-A-G.
Other names: c.485-266T>C (NM_001251987.2, NM_001256020.2, NM_001256021.2).
Identifiers: ClinVar variation 680811 (VCV000680811.1), dbSNP rs9385302, ClinGen allele CA12304613.